The following is an entry in ClinVar:

ClinVar aggregate classification (germline): Benign (1 of 4 stars; one submission).

Allele frequency attached by ClinVar (database versions not stated): gnomAD 0.77320 and 0.77880; TOPMed 0.77860; 1000 Genomes Project 30x 0.79591; 1000 Genomes Project 0.80312.
gnomAD v4.1: 118,482 of 152,142 alleles (78%); highest among the groups gnomAD compares: East Asian, 94%; 46,438 homozygotes.

Submission:

GeneDx
Classification: Benign. Last evaluated: 2018-06-14. Review status: criteria provided, single submitter. Criteria: GeneDx Variant Classification (06012015). Collection method: clinical testing. Allele origin: germline. Affected: yes.
Comment: This variant is considered likely benign or benign based on one or more of the following criteria: it is a conservative change, it occurs at a poorly conserved position in the protein, it is predicted to be benign by multiple in silico algorithms, and/or has population frequency not consistent with disease.

NM_006073.4(TRDN):c.23-155C>T

Gene: TRDN (triadin; minus strand). Cytogenetic location: 6q22.31.
Variant type: single nucleotide variant.
Coding change: c.23-155C>T on transcript NM_006073.4 (MANE Select); 155 bases into the intron before coding-DNA position 23, C replaced by T.
Molecular consequence: intron variant.
Genome position (GRCh38, 1-based): chr6:123,571,287, G>A on the plus strand (C>T on the coding strand, the complement: TRDN is on the minus strand). VCF-style: chr6-123571287-G-A. GRCh37 (hg19) VCF-style: chr6-123892432-G-A.
Other names: c.23-155C>T (NM_001251987.2, NM_001256020.2, NM_001256021.2 and 1 more transcripts).
Identifiers: ClinVar variation 674789 (VCV000674789.1), dbSNP rs1407220, ClinGen allele CA12408947.